The following is an entry in ClinVar:

NM_001184.4(ATR):c.431T>G (p.Val144Gly)

Gene: ATR (ATR checkpoint kinase; minus strand). Cytogenetic location: 3q23.
Variant type: single nucleotide variant.
Coding change: c.431T>G on transcript NM_001184.4 (MANE Select); coding-DNA position 431, T replaced by G.
Protein change: p.Val144Gly; replaces valine 144 with glycine.
Molecular consequence: missense variant.
Genome position (GRCh38, 1-based): chr3:142,562,971, A>C on the plus strand (T>G on the coding strand, the complement: ATR is on the minus strand). VCF-style: chr3-142562971-A-C. GRCh37 (hg19) VCF-style: chr3-142281813-A-C.
Other names: c.431T>G, p.Val144Gly (NM_001354579.2); short protein forms V144G.
Identifiers: ClinVar variation 343623 (VCV000343623.8), dbSNP rs749942139, ClinGen allele CA2650768.

ClinVar aggregate classification (germline): Uncertain significance. Review status: criteria provided, multiple submitters, no conflicts (2 of 4 stars). 2 submissions from 2 submitters: Uncertain significance (2). Last evaluated 2024-10-06.

Conditions:
Seckel syndrome 1 (SCKL1). Also called: MICROCEPHALIC PRIMORDIAL DWARFISM I. Identifiers: Orphanet 808, MedGen C4551474, MONDO:0008869, OMIM 210600.

Allele frequency attached by ClinVar (database versions not stated): ExAC 0.00001; gnomAD 0.00001 and 0.00002; TOPMed 0.00001; gnomAD exomes 0.00003.
gnomAD v4.1: 10 of 1,609,634 alleles (0.00062%); highest among the groups gnomAD compares: East Asian, 0.018%; no homozygotes.

Submissions (2):

Labcorp Genetics (formerly Invitae), Labcorp
Classification: Uncertain significance. Last evaluated: 2024-10-06. Review status: criteria provided, single submitter. Criteria: Invitae Variant Classification Sherloc (09022015). Collection method: clinical testing. Allele origin: germline.
Comment: This sequence change replaces valine, which is neutral and non-polar, with glycine, which is neutral and non-polar, at codon 144 of the ATR protein (p.Val144Gly). This variant is present in population databases (rs749942139, gnomAD 0.04%). This variant has not been reported in the literature in individuals affected with ATR-related conditions. ClinVar contains an entry for this variant (Variation ID: 343623). An algorithm developed to predict the effect of missense changes on protein structure and function (PolyPhen-2) suggests that this variant is likely to be tolerated. In summary, the available evidence is currently insufficient to determine the role of this variant in disease. Therefore, it has been classified as a Variant of Uncertain Significance.

Illumina Laboratory Services, Illumina
Classification: Uncertain significance for Seckel syndrome 1. Last evaluated: 2018-01-12. Review status: criteria provided, single submitter. Criteria: ICSL Variant Classification Criteria 13 December 2019. Collection method: clinical testing. Allele origin: germline.